The following is an entry in ClinVar:

NM_004380.3(CREBBP):c.7234C>G (p.Leu2412Val)

Gene: CREBBP (CREB binding lysine acetyltransferase; minus strand). Cytogenetic location: 16p13.3.
Variant type: single nucleotide variant.
Coding change: c.7234C>G on transcript NM_004380.3 (MANE Select); coding-DNA position 7234, C replaced by G.
Protein change: p.Leu2412Val; replaces leucine 2412 with valine.
Molecular consequence: missense variant.
Genome position (GRCh38, 1-based): chr16:3,727,813, G>C on the plus strand (C>G on the coding strand, the complement: CREBBP is on the minus strand). VCF-style: chr16-3727813-G-C. GRCh37 (hg19) VCF-style: chr16-3777814-G-C.
Other names: c.7120C>G, p.Leu2374Val (NM_001079846.1); short protein forms L2374V, L2412V.
Identifiers: ClinVar variation 3901294 (VCV003901294.1).
Genomic context (GRCh38, chr16:3,727,813, plus strand): 5'-CCGTGGTGTCCCCGACCAGGGACAGTTCGCTGGACAGCGCACTCCTGCTGGGGGTGTTCA[G>C]CTGGGGGAGCATTGCACTCTGTTCGGGGTTCCCCAAGTGTCCCTGATCTATGGAGCTGGC-3'
Protein context (NP_004371.2, residues 2402-2422): NPEQSAMLPQ[Leu2412Val]NTPSRSALSS

ClinVar aggregate classification (germline): Uncertain significance (1 of 4 stars; one submission).

Submission:

GeneDx
Classification: Uncertain significance. Last evaluated: 2024-12-03. Review status: criteria provided, single submitter. Criteria: GeneDx Variant Classification Process June 2021. Collection method: clinical testing. Allele origin: germline. Affected: yes.
Comment: Not observed at significant frequency in large population cohorts (gnomAD); In silico analysis indicates that this missense variant does not alter protein structure/function; Has not been previously published as pathogenic or benign to our knowledge